The following is an entry in ClinVar:

NM_025216.3(WNT10A):c.380del (p.Phe127fs)

Gene: WNT10A (Wnt family member 10A; plus strand). Cytogenetic location: 2q35.
Variant type: Deletion.
Coding change: c.380del on transcript NM_025216.3 (MANE Select); coding-DNA position 380, one base deleted (T; older notation c.380delT).
Protein change: p.Phe127fs; shifts the reading frame from phenylalanine 127.
Molecular consequence: frameshift variant.
Genome position (GRCh38, 1-based): chr2:218,889,987, T deleted; the last of 3 consecutive T bases (chr2:218,889,985-218,889,987); deleting any one gives the same sequence. VCF-style (leftmost placement, unchanged base first): chr2-218889984-GT-G. GRCh37 (hg19) VCF-style: chr2-219754706-GT-G.
Other names: short protein forms F127fs.
Identifiers: ClinVar variation 2948162 (VCV002948162.3), dbSNP rs2470312288, ClinGen allele CA2740096463.
Genomic context (GRCh38, chr2:218,889,984, plus strand): 5'-CTGGAGAATGGGGTGTCAAGGCCCCTCCAGAGTCCATGTGTTCTGGGTCTTTAACCACAG[GT>G]TTCCGAGAGAGCGCTTTTGCCTACGCCATCGCAGCAGCTGGCGTGGTGCACGCCGTGTCC-3'

ClinVar aggregate classification (germline): Pathogenic (1 of 4 stars; one submission).

Conditions:
Odonto-onycho-dermal dysplasia. Identifiers: Orphanet 2721, MedGen C0796093, MONDO:0009773, OMIM 257980.
Tooth agenesis, selective, 4 (STHAG4). Also called: SUCCEDANEOUS TEETH, AGENESIS OF; LATERAL INCISORS, ABSENCE OF; LATERAL INCISORS, PEGGED OR MISSING; TOOTH AGENESIS, SELECTIVE, 4, WITH OR WITHOUT ECTODERMAL DYSPLASIA. Identifiers: Orphanet 99798, MedGen C1835492, MONDO:0007881, OMIM 150400. Disease mechanism: loss of function.

Submission:

Labcorp Genetics (formerly Invitae), Labcorp
Classification: Pathogenic for Tooth agenesis, selective, 4; Odonto-onycho-dermal dysplasia. Last evaluated: 2023-07-27. Review status: criteria provided, single submitter. Criteria: Invitae Variant Classification Sherloc (09022015). Collection method: clinical testing. Allele origin: germline.
Comment: This sequence change creates a premature translational stop signal (p.Phe127Serfs*28) in the WNT10A gene. It is expected to result in an absent or disrupted protein product. Loss-of-function variants in WNT10A are known to be pathogenic (PMID: 17847007, 22581971, 25629078). For these reasons, this variant has been classified as Pathogenic. This variant has not been reported in the literature in individuals affected with WNT10A-related conditions. This variant is not present in population databases (gnomAD no frequency).

Literature cited by the submitters: PubMed 17847007; PubMed 22581971; PubMed 25629078.